The following is an entry in ClinVar:

NM_000138.5(FBN1):c.2793G>T (p.Gly931=)

Gene: FBN1 (fibrillin 1; minus strand). Cytogenetic location: 15q21.1.
Variant type: single nucleotide variant.
Coding change: c.2793G>T on transcript NM_000138.5 (MANE Select); coding-DNA position 2793, G replaced by T.
Protein change: p.Gly931=; no amino-acid change (glycine 931 retained).
Molecular consequence: synonymous variant.
Genome position (GRCh38, 1-based): chr15:48,492,522, C>A on the plus strand (G>T on the coding strand, the complement: FBN1 is on the minus strand). VCF-style: chr15-48492522-C-A. GRCh37 (hg19) VCF-style: chr15-48784719-C-A.
Identifiers: ClinVar variation 390855 (VCV000390855.31), dbSNP rs775785545, ClinGen allele CA048898.

ClinVar aggregate classification (germline): Likely benign. Review status: criteria provided, multiple submitters, no conflicts (2 of 4 stars). 10 submissions from 10 submitters: Likely benign (10). Last evaluated 2025-11-24.

Conditions:
Marfan syndrome (MFS). Also called: Marfan syndrome, classic; Marfan syndrome type 1; Marfan's syndrome; MARFAN SYNDROME, TYPE I; FBN1-Related Marfan Syndrome. Identifiers: Orphanet 284963, Orphanet 558, MedGen C0024796, MONDO:0007947, OMIM 154700.
Familial thoracic aortic aneurysm and aortic dissection (TAAD). Also called: Thoracic aortic aneurysms and dissections. Identifiers: Orphanet 91387, MedGen C4707243, MONDO:0019625.

Allele frequency attached by ClinVar (database versions not stated): ExAC 0.00001; gnomAD exomes 0.00001 and 0.00002; gnomAD 0.00006; TOPMed 0.00009.
gnomAD v4.1: 36 of 1,612,936 alleles (0.0022%); highest among the groups gnomAD compares: Non-Finnish European, 0.003%; no homozygotes.

Submissions (10):

Labcorp Genetics (formerly Invitae), Labcorp
Classification: Likely benign for Marfan syndrome; Familial thoracic aortic aneurysm and aortic dissection. Last evaluated: 2025-11-24. Review status: criteria provided, single submitter. Criteria: Invitae Variant Classification Sherloc (09022015). Collection method: clinical testing. Allele origin: germline.

Molecular Diagnostic Laboratory for Inherited Cardiovascular Disease, Montreal Heart Institute
Classification: Likely benign. Last evaluated: 2025-04-09. Review status: criteria provided, single submitter. Criteria: ACMG Guidelines, 2015. Collection method: clinical testing. Allele origin: germline. Affected: no.

All of Us Research Program, National Institutes of Health
Classification: Likely benign for Marfan syndrome. Last evaluated: 2023-12-18. Review status: criteria provided, single submitter. Criteria: ACMG Guidelines, 2015. Collection method: clinical testing. Allele origin: germline. Inheritance: Autosomal dominant inheritance. Observed: 16 variant alleles, 16 heterozygotes.
Comment: This study involves interpretation of variants in research participants for the purpose of population health screening. Participant phenotype was not available at the time of variant classification. Additional details can be found in publication PMID: 35346344, PMCID: PMC8962531

Blueprint Genetics
Classification: Likely benign. Last evaluated: 2023-09-26. Review status: criteria provided, single submitter. Criteria: ACMG Guidelines, 2015. Collection method: clinical testing. Allele origin: germline.

Women's Health and Genetics/Laboratory Corporation of America, LabCorp
Classification: Likely benign. Last evaluated: 2022-09-17. Review status: criteria provided, single submitter. Criteria: LabCorp Variant Classification Summary - May 2015. Collection method: clinical testing. Allele origin: germline.

Ambry Genetics
Classification: Likely benign for Familial thoracic aortic aneurysm and aortic dissection. Last evaluated: 2022-09-13. Review status: criteria provided, single submitter. Criteria: Ambry Variant Classification Scheme 2023. Collection method: clinical testing. Allele origin: germline.

GeneDx
Classification: Likely benign. Last evaluated: 2022-05-13. Review status: criteria provided, single submitter. Criteria: GeneDx Variant Classification Process June 2021. Collection method: clinical testing. Allele origin: germline. Affected: yes.
Comment: See Variant Classification Assertion Criteria.

CHEO Genetics Diagnostic Laboratory, Children's Hospital of Eastern Ontario
Classification: Likely benign for Familial thoracic aortic aneurysm and aortic dissection. Last evaluated: 2020-05-04. Review status: criteria provided, single submitter. Criteria: ACMG Guidelines, 2015. Collection method: clinical testing. Allele origin: germline.

Color Diagnostics, LLC DBA Color Health
Classification: Likely benign for Familial thoracic aortic aneurysm and aortic dissection. Last evaluated: 2018-12-03. Review status: criteria provided, single submitter. Criteria: ACMG Guidelines, 2015. Collection method: clinical testing. Allele origin: germline.

ARUP Laboratories, Molecular Genetics and Genomics, ARUP Laboratories
Classification: Likely benign. Last evaluated: 2018-02-20. Review status: criteria provided, single submitter. Criteria: ARUP Molecular Germline Variant Investigation Process. Collection method: clinical testing. Allele origin: germline.
Comment: The c.2793G>T; p.Gly931Gly variant (rs775785545) does not alter the amino acid sequence of the FBN1 protein and computational splice site prediction algorithms do not predict a change in the nearest splice site or creation of a cryptic splice site. This variant has not been reported in association with aortopathy in medical literature or in gene specific variation databases. This variant is listed in the genome Aggregation Database (gnomAD) with an overall population frequency of 0.001% (identified on 4 out of 277,208 chromosomes), and is classified as likely benign in ClinVar (ID: 390855). Based on the available information, the c.2793G>T variant is likely to be benign.